The following is an entry in ClinVar:

ClinVar aggregate classification (germline): Uncertain significance (1 of 4 stars; one submission).

gnomAD v4.1: 4 of 1,588,406 alleles (0.00025%); highest among the groups gnomAD compares: Non-Finnish European, 0.00034%; no homozygotes.

Submission:

GeneDx
Classification: Uncertain significance. Last evaluated: 2026-03-19. Review status: criteria provided, single submitter. Criteria: GeneDx Variant Classification Process June 2021. Collection method: clinical testing. Allele origin: germline.
Comment: Nonsense variant predicted to result in protein truncation as the last 330 amino acid(s) are lost; Not observed at significant frequency in large population cohorts (gnomAD); Has not been previously published as pathogenic or benign to our knowledge; Reported using an alternate transcript of the gene

NM_080425.4(GNAS):c.1076C>T (p.Ala359Val)

Gene: GNAS (GNAS complex locus; plus strand). Cytogenetic location: 20q13.32.
Variant type: single nucleotide variant.
Coding change: c.1076C>T on transcript NM_080425.4 (MANE Plus Clinical); coding-DNA position 1076, C replaced by T.
Protein change: p.Ala359Val; replaces alanine 359 with valine.
Molecular consequence: missense variant. On other transcripts: nonsense (2), intron variant (3).
Genome position (GRCh38, 1-based): chr20:58,854,341, C>T. VCF-style: chr20-58854341-C-T. GRCh37 (hg19) VCF-style: chr20-57429396-C-T.
Other names: c.889C>T, p.Gln297Ter (NM_001077490.3, NM_001309883.1); c.1076C>T, p.Ala359Val (NM_001410913.1); c.*42+13455C>T (NM_016592.5); c.43+13455C>T (NM_001410912.1); c.-39+12466C>T (NM_001309861.2); short protein forms A359V, Q297*.
Identifiers: ClinVar variation 5017060 (VCV005017060.1).